The following is an entry in ClinVar:

ClinVar aggregate classification (germline): Uncertain significance (1 of 4 stars; one submission).

Conditions:
Hereditary cancer-predisposing syndrome. Also called: Tumor predisposition; Hereditary neoplastic syndrome; Neoplastic Syndromes, Hereditary; Hereditary Cancer Syndrome. Identifiers: Orphanet 140162, MedGen C0027672, MeSH D009386, MONDO:0015356.

Submission:

Ambry Genetics
Classification: Uncertain significance for Hereditary cancer-predisposing syndrome. Last evaluated: 2025-03-29. Review status: criteria provided, single submitter. Criteria: Ambry Variant Classification Scheme 2023. Collection method: clinical testing. Allele origin: germline.
Comment: The p.L495V variant (also known as c.1483C>G), located in coding exon 10 of the FLCN gene, results from a C to G substitution at nucleotide position 1483. The leucine at codon 495 is replaced by valine, an amino acid with highly similar properties. This amino acid position is conserved. In addition, this alteration is predicted to be deleterious by in silico analysis. Based on the available evidence, the clinical significance of this variant remains unclear.

NM_144997.7(FLCN):c.1483C>G (p.Leu495Val)

Gene: FLCN (folliculin; minus strand). Cytogenetic location: 17p11.2.
Variant type: single nucleotide variant.
Coding change: c.1483C>G on transcript NM_144997.7 (MANE Select); coding-DNA position 1483, C replaced by G.
Protein change: p.Leu495Val; replaces leucine 495 with valine.
Molecular consequence: missense variant.
Genome position (GRCh38, 1-based): chr17:17,215,040, G>C on the plus strand (C>G on the coding strand, the complement: FLCN is on the minus strand). VCF-style: chr17-17215040-G-C. GRCh37 (hg19) VCF-style: chr17-17118354-G-C.
Other names: c.1537C>G, p.Leu513Val (NM_001353229.2); c.1483C>G, p.Leu495Val (NM_001353230.2, NM_001353231.2); short protein forms L495V, L513V.
Identifiers: ClinVar variation 4025305 (VCV004025305.1).